The following is an entry in ClinVar:

ClinVar aggregate classification (germline): Uncertain significance (1 of 4 stars; one submission).

Submission:

GeneDx
Classification: Uncertain significance. Last evaluated: 2025-02-08. Review status: criteria provided, single submitter. Criteria: GeneDx Variant Classification Process June 2021. Collection method: clinical testing. Allele origin: germline.
Comment: Not observed at significant frequency in large population cohorts (gnomAD); In silico analysis supports that this missense variant has a deleterious effect on protein structure/function; Has not been previously published as pathogenic or benign to our knowledge

NM_001145358.2(SIN3A):c.2447T>C (p.Met816Thr)

Gene: SIN3A (SIN3 transcription regulator family member A; minus strand). Cytogenetic location: 15q24.2.
Variant type: single nucleotide variant.
Coding change: c.2447T>C on transcript NM_001145358.2 (MANE Select); coding-DNA position 2447, T replaced by C.
Protein change: p.Met816Thr; replaces methionine 816 with threonine.
Molecular consequence: missense variant.
Genome position (GRCh38, 1-based): chr15:75,392,646, A>G on the plus strand (T>C on the coding strand, the complement: SIN3A is on the minus strand). VCF-style: chr15-75392646-A-G. GRCh37 (hg19) VCF-style: chr15-75684987-A-G.
Other names: c.2447T>C, p.Met816Thr (NM_001145357.2, NM_015477.3); short protein forms M816T.
Identifiers: ClinVar variation 2577837 (VCV002577837.2), dbSNP rs2543076570, ClinGen allele CA393491657.
Genomic context (GRCh38, chr15:75,392,646, plus strand): 5'-TCCTCCACATCTGAGAGATCACCTCTTTGGGCAAAGAGCAAATCTGGAATAAAATGATGC[A>G]TGATTTGTTTTATCTTATATTTGTCCTCCTTCTGAATGCCTGTCTGCCTCTTCACATGGT-3'
Protein context (NP_001138830.1, residues 806-826): KEDKYKIKQI[Met816Thr]HHFIPDLLFA